The following is an entry in ClinVar:

NM_138420.4(AHNAK2):c.11960T>C (p.Met3987Thr)

Gene: AHNAK2 (AHNAK nucleoprotein 2; minus strand). Cytogenetic location: 14q32.33.
Variant type: single nucleotide variant.
Coding change: c.11960T>C on transcript NM_138420.4 (MANE Select); coding-DNA position 11960, T replaced by C.
Protein change: p.Met3987Thr; replaces methionine 3987 with threonine.
Molecular consequence: missense variant.
Genome position (GRCh38, 1-based): chr14:104,943,491, A>G on the plus strand (T>C on the coding strand, the complement: AHNAK2 is on the minus strand). VCF-style: chr14-104943491-A-G. GRCh37 (hg19) VCF-style: chr14-105409828-A-G.
Other names: c.11660T>C, p.Met3887Thr (NM_001350929.2); short protein forms M3887T, M3987T.
Identifiers: ClinVar variation 5033486 (VCV005033486.1).

ClinVar aggregate classification (germline): Uncertain significance (1 of 4 stars; one submission).

Submission:

Ambry Genetics
Classification: Uncertain significance. Last evaluated: 2026-06-29. Review status: criteria provided, single submitter. Criteria: Ambry Variant Classification Scheme 2023. Collection method: clinical testing. Allele origin: germline.
Comment: The c.11960T>C (p.M3987T) alteration is located in exon 7 (coding exon 7) of the AHNAK2 gene. This alteration results from a T to C substitution at nucleotide position 11960, causing the methionine (M) at amino acid position 3987 to be replaced by a threonine (T). Based on data from gnomAD, the C allele has an overall frequency of 0.003% (8/280236) total alleles studied. The highest observed frequency was 0.033% (8/24150) of African alleles. Based on insufficient or conflicting evidence, the clinical significance of this alteration remains unclear.